The following is an entry in ClinVar:

NM_020911.2(PLXNA4):c.4894G>A (p.Asp1632Asn)

Gene: PLXNA4 (plexin A4; minus strand). Cytogenetic location: 7q32.3.
Variant type: single nucleotide variant.
Coding change: c.4894G>A on transcript NM_020911.2 (MANE Select); coding-DNA position 4894, G replaced by A.
Protein change: p.Asp1632Asn; replaces aspartic acid 1632 with asparagine.
Molecular consequence: missense variant.
Genome position (GRCh38, 1-based): chr7:132,146,671, C>T on the plus strand (G>A on the coding strand, the complement: PLXNA4 is on the minus strand). VCF-style: chr7-132146671-C-T. GRCh37 (hg19) VCF-style: chr7-131831430-C-T.
Other names: c.4894G>A, p.Asp1632Asn (NM_001393897.1); short protein forms D1632N.
Identifiers: ClinVar variation 3354890 (VCV003354890.1).

ClinVar aggregate classification (germline): Uncertain significance (0 of 4 stars; one submission).

Conditions:
PLXNA4-related disorder. Also called: PLXNA4-related condition.

gnomAD v4.1: 9 of 1,614,052 alleles (0.00056%); highest among the groups gnomAD compares: South Asian, 0.0022%; no homozygotes.

Submission:

PreventionGenetics, part of Exact Sciences
Classification: Uncertain significance for PLXNA4-related condition. Last evaluated: 2024-08-31. Review status: no assertion criteria provided. Collection method: clinical testing. Allele origin: germline.
Comment: The PLXNA4 c.4894G>A variant is predicted to result in the amino acid substitution p.Asp1632Asn. To our knowledge, this variant has not been reported in the literature. This variant is reported in 0.0064% of alleles in individuals of African descent in gnomAD. At this time, the clinical significance of this variant is uncertain due to the absence of conclusive functional and genetic evidence.